The following is an entry in ClinVar:

ClinVar aggregate classification (germline): Likely pathogenic (1 of 4 stars; one submission).

Conditions:
LAMA2-related muscular dystrophy (LAMA2-RD). Also called: Laminin alpha 2-related dystrophy. Identifiers: MedGen C5679788, MONDO:0100228.

Submission:

Myriad Genetics, Inc.
Classification: Likely pathogenic for LAMA2-related muscular dystrophy. Last evaluated: 2019-03-31. Review status: criteria provided, single submitter. Criteria: Myriad Autosomal Dominant, Autosomal Recessive and X-Linked Classification Criteria (2023). Collection method: clinical testing. Allele origin: unknown.
Comment: NM_000426.3(LAMA2):c.2968G>T(G990*) is expected to be pathogenic in the context of LAMA2-related muscular dystrophy. This variant is predicted to lead to an abnormal or absent protein product due to the creation of a premature termination codon in LAMA2, a gene where loss-of-function variants are known to be pathogenic. Please note: this variant was assessed in the context of healthy population screening.

NM_000426.4(LAMA2):c.2968G>T (p.Gly990Ter)

Gene: LAMA2 (laminin subunit alpha 2; plus strand). Cytogenetic location: 6q22.33.
Variant type: single nucleotide variant.
Coding change: c.2968G>T on transcript NM_000426.4 (MANE Select); coding-DNA position 2968, G replaced by T.
Protein change: p.Gly990Ter; replaces glycine 990 with a stop codon.
Molecular consequence: nonsense.
Genome position (GRCh38, 1-based): chr6:129,297,796, G>T. VCF-style: chr6-129297796-G-T. GRCh37 (hg19) VCF-style: chr6-129618941-G-T.
Other names: c.2968G>T, p.Gly990Ter (NM_001079823.2); short protein forms G990*.
Identifiers: ClinVar variation 983634 (VCV000983634.4), dbSNP rs1187391940, ClinGen allele CA365611149.
Genomic context (GRCh38, chr6:129,297,796, plus strand): 5'-AATTCTTTTGGGTCTAAGTCATTCGACTGTGAAGAGAGTGGACAATGTTGGTGCCAACCT[G>T]GAGTCACAGGGAAGAAATGTGACCGCTGTGCCCACGGCTATTTCAACTTCCAAGAAGGAG-3'